The following is an entry in ClinVar:

NM_001271.4(CHD2):c.1322T>C (p.Ile441Thr)

Gene: CHD2 (chromodomain helicase DNA binding protein 2; plus strand). Cytogenetic location: 15q26.1.
Variant type: single nucleotide variant.
Coding change: c.1322T>C on transcript NM_001271.4 (MANE Select); coding-DNA position 1322, T replaced by C.
Protein change: p.Ile441Thr; replaces isoleucine 441 with threonine.
Molecular consequence: missense variant.
Genome position (GRCh38, 1-based): chr15:92,946,161, T>C. VCF-style: chr15-92946161-T-C. GRCh37 (hg19) VCF-style: chr15-93489391-T-C.
Other names: c.1322T>C, p.Ile441Thr (NM_001042572.3); short protein forms I441T.
Identifiers: ClinVar variation 3682267 (VCV003682267.2).

ClinVar aggregate classification (germline): Uncertain significance (1 of 4 stars; one submission).

Conditions:
Developmental and epileptic encephalopathy 94 (DEE94). Also called: CHD2-Related Neurodevelopmental Disorders; Epileptic encephalopathy, childhood-onset. Identifiers: Orphanet 1942, Orphanet 2382, MedGen C3809278, MONDO:0014150, OMIM 615369.

Submission:

Labcorp Genetics (formerly Invitae), Labcorp
Classification: Uncertain significance for Developmental and epileptic encephalopathy 94. Last evaluated: 2024-06-18. Review status: criteria provided, single submitter. Criteria: Invitae Variant Classification Sherloc (09022015). Collection method: clinical testing. Allele origin: germline.
Comment: This sequence change replaces isoleucine, which is neutral and non-polar, with threonine, which is neutral and polar, at codon 441 of the CHD2 protein (p.Ile441Thr). This variant is not present in population databases (gnomAD no frequency). This variant has not been reported in the literature in individuals affected with CHD2-related conditions. Advanced modeling of protein sequence and biophysical properties (such as structural, functional, and spatial information, amino acid conservation, physicochemical variation, residue mobility, and thermodynamic stability) performed at Invitae indicates that this missense variant is not expected to disrupt CHD2 protein function with a negative predictive value of 95%. In summary, the available evidence is currently insufficient to determine the role of this variant in disease. Therefore, it has been classified as a Variant of Uncertain Significance.